The following is an entry in ClinVar:

ClinVar aggregate classification (germline): Uncertain significance (1 of 4 stars; one submission).

Submission:

GeneDx
Classification: Uncertain significance. Last evaluated: 2018-09-28. Review status: criteria provided, single submitter. Criteria: GeneDx Variant Classification (06012015). Collection method: clinical testing. Allele origin: germline. Affected: yes.
Comment: The c.4305dupG variant has not been reported previously as a pathogenic variant nor as a benign variant, to our knowledge. The c.4305dupG variant causes a frameshift starting with codon Leucine 1436, changes this amino acid to a Alanine residue, and creates a premature Stop codon at position 12 of the new reading frame, denoted p.Leu1436AlafsX12. This variant is predicted to cause loss of normal protein function either through protein truncation or nonsense-mediated mRNA decay. The c.4305dupG variant is not observed in large population cohorts (Lek et al., 2016).

NM_015466.4(PTPN23):c.4305dup (p.Leu1436fs)

Gene: PTPN23 (protein tyrosine phosphatase non-receptor type 23; plus strand). Cytogenetic location: 3p21.31.
Variant type: Duplication.
Coding change: c.4305dup on transcript NM_015466.4 (MANE Select); coding-DNA position 4305, one base duplicated (G; older notation c.4305dupG).
Protein change: p.Leu1436fs; shifts the reading frame from leucine 1436.
Molecular consequence: frameshift variant.
Genome position (GRCh38, 1-based): chr3:47,412,409, G duplicated. VCF-style (leftmost placement, unchanged base first): chr3-47412408-T-TG. GRCh37 (hg19) VCF-style: chr3-47453898-T-TG.
Other names: c.3927dup, p.Leu1310fs (NM_001304482.2); short protein forms L1310fs, L1436fs.
Identifiers: ClinVar variation 524048 (VCV000524048.2), dbSNP rs1553640721, ClinGen allele CA658796300.